The following is an entry in ClinVar:

ClinVar aggregate classification (germline): Uncertain significance. Review status: criteria provided, multiple submitters, no conflicts (2 of 4 stars). 3 submissions from 3 submitters: Uncertain significance (3). Last evaluated 2025-11-19.

Conditions:
Primary dilated cardiomyopathy (DCM). Also called: Dilated Cardiomyopathy. Identifiers: Orphanet 217604, MedGen C0007193, MeSH D002311, MONDO:0005021, HP:0001644. Inheritance: Various modes of inheritance.

Allele frequency attached by ClinVar (database versions not stated): gnomAD exomes below 0.00001; ExAC 0.00001; TOPMed 0.00003.
gnomAD v4.1: 30 of 1,613,238 alleles (0.0019%); highest among the groups gnomAD compares: East Asian, 0.0022%; no homozygotes.

Submissions (3):

Labcorp Genetics (formerly Invitae), Labcorp
Classification: Uncertain significance for Primary dilated cardiomyopathy. Last evaluated: 2025-11-19. Review status: criteria provided, single submitter. Criteria: Invitae Variant Classification Sherloc (09022015). Collection method: clinical testing. Allele origin: germline.
Comment: This sequence change replaces arginine, which is basic and polar, with glutamine, which is neutral and polar, at codon 547 of the NEBL protein (p.Arg547Gln). This variant is present in population databases (rs747238199, gnomAD 0.0009%). This variant has not been reported in the literature in individuals affected with NEBL-related conditions. ClinVar contains an entry for this variant (Variation ID: 806451). An algorithm developed to predict the effect of missense changes on protein structure and function outputs the following: PolyPhen-2: "Benign". The glutamine amino acid residue is found in multiple mammalian species, which suggests that this missense change does not adversely affect protein function. In summary, the available evidence is currently insufficient to determine the role of this variant in disease. Therefore, it has been classified as a Variant of Uncertain Significance.

Ambry Genetics
Classification: Uncertain significance. Last evaluated: 2024-04-12. Review status: criteria provided, single submitter. Criteria: Ambry Variant Classification Scheme 2023. Collection method: clinical testing. Allele origin: germline.
Comment: The p.R547Q variant (also known as c.1640G>A), located in coding exon 16 of the NEBL gene, results from a G to A substitution at nucleotide position 1640. The arginine at codon 547 is replaced by glutamine, an amino acid with highly similar properties. This amino acid position is conserved. In addition, this alteration is predicted to be tolerated by in silico analysis. Since supporting evidence is limited at this time, the clinical significance of this alteration remains unclear.

CeGaT Center for Human Genetics Tuebingen
Classification: Uncertain significance. Last evaluated: 2016-11-01. Review status: criteria provided, single submitter. Criteria: CeGaT Center For Human Genetics Tuebingen Variant Classification Criteria Version 2. Collection method: clinical testing. Allele origin: germline. Affected: yes. Observed: 1 variant allele.

NM_006393.3(NEBL):c.1640G>A (p.Arg547Gln)

Gene: NEBL (nebulette; minus strand). Cytogenetic location: 10p12.31.
Variant type: single nucleotide variant.
Coding change: c.1640G>A on transcript NM_006393.3 (MANE Select); coding-DNA position 1640, G replaced by A.
Protein change: p.Arg547Gln; replaces arginine 547 with glutamine.
Molecular consequence: missense variant. On other transcripts: intron variant (9).
Genome position (GRCh38, 1-based): chr10:20,831,227, C>T on the plus strand (G>A on the coding strand, the complement: NEBL is on the minus strand). VCF-style: chr10-20831227-C-T. GRCh37 (hg19) VCF-style: chr10-21120156-C-T.
Other names: c.250-18287G>A (NM_001377326.1, NM_001377327.1, NM_001377328.1); c.358-18287G>A (NM_213569.2, NM_001173484.2, NM_001377322.1); c.301-18287G>A (NM_001377324.1); c.292-18287G>A (NM_001377325.1); c.310-18287G>A (NM_001377323.1); short protein forms R547Q.
Identifiers: ClinVar variation 806451 (VCV000806451.48), dbSNP rs747238199, ClinGen allele CA5432799.